The following is an entry in ClinVar:

NM_001370466.1(NOD2):c.1087G>A (p.Asp363Asn)

Gene: NOD2 (nucleotide binding oligomerization domain containing 2; plus strand). Cytogenetic location: 16q12.1.
Variant type: single nucleotide variant.
Coding change: c.1087G>A on transcript NM_001370466.1 (MANE Select); coding-DNA position 1087, G replaced by A.
Protein change: p.Asp363Asn; replaces aspartic acid 363 with asparagine.
Molecular consequence: missense variant. On other transcripts: non-coding transcript variant (1).
Genome position (GRCh38, 1-based): chr16:50,711,079, G>A. VCF-style: chr16-50711079-G-A. GRCh37 (hg19) VCF-style: chr16-50744990-G-A.
Other names: c.1168G>A (NM_022162.1); c.1087G>A, p.Asp363Asn (NM_001293557.2); c.1168G>A, p.Asp390Asn (NM_022162.3); short protein forms D363N, D390N.
Identifiers: ClinVar variation 957653 (VCV000957653.12), dbSNP rs147283871, ClinGen allele CA8051480.

ClinVar aggregate classification (germline): Uncertain significance. Review status: criteria provided, multiple submitters, no conflicts (2 of 4 stars). 3 submissions from 3 submitters: Uncertain significance (3). Last evaluated 2024-10-02.

Conditions:
Inborn genetic diseases. Identifiers: MedGen C0950123, MeSH D030342.
Inflammatory bowel disease 1 (IBD1). Also called: INFLAMMATORY BOWEL DISEASE (CROHN DISEASE) 1; Inflammatory bowel disease 1, Crohn disease. Identifiers: MedGen CN260071, MONDO:0009960, OMIM 266600.
Yao syndrome. Also called: Susceptibility to Yao syndrome. Identifiers: MedGen C4310620, MONDO:0015019, OMIM 617321.
Blau syndrome (BLAUS). Also called: ARTHROCUTANEOUVEAL GRANULOMATOSIS; GRANULOMATOSIS, FAMILIAL JUVENILE SYSTEMIC; GRANULOMATOSIS, FAMILIAL, BLAU TYPE; GRANULOMATOUS INFLAMMATORY ARTHRITIS, DERMATITIS, AND UVEITIS, FAMILIAL; JABS SYNDROME. Identifiers: Orphanet 90340, MedGen C5201146, MONDO:0008523, OMIM 186580.
Regional enteritis. Also called: Enteritis, Granulomatous. Identifiers: MedGen C0678202, MeSH D003424.

Allele frequency attached by ClinVar (database versions not stated): ExAC 0.00001; gnomAD 0.00001; gnomAD exomes 0.00002; 1000 Genomes Project 30x 0.00016; 1000 Genomes Project 0.00020.
gnomAD v4.1: 34 of 1,614,176 alleles (0.0021%); highest among the groups gnomAD compares: Non-Finnish European, 0.0027%; no homozygotes.

Submissions (3):

Labcorp Genetics (formerly Invitae), Labcorp
Classification: Uncertain significance for Regional enteritis; Blau syndrome. Last evaluated: 2024-10-02. Review status: criteria provided, single submitter. Criteria: Invitae Variant Classification Sherloc (09022015). Collection method: clinical testing. Allele origin: germline.
Comment: This sequence change replaces aspartic acid, which is acidic and polar, with asparagine, which is neutral and polar, at codon 390 of the NOD2 protein (p.Asp390Asn). This variant is present in population databases (rs147283871, gnomAD 0.006%). This variant has not been reported in the literature in individuals affected with NOD2-related conditions. ClinVar contains an entry for this variant (Variation ID: 957653). Invitae Evidence Modeling of protein sequence and biophysical properties (such as structural, functional, and spatial information, amino acid conservation, physicochemical variation, residue mobility, and thermodynamic stability) indicates that this missense variant is not expected to disrupt NOD2 protein function with a negative predictive value of 95%. In summary, the available evidence is currently insufficient to determine the role of this variant in disease. Therefore, it has been classified as a Variant of Uncertain Significance.

Ambry Genetics
Classification: Uncertain significance for Inborn genetic diseases. Last evaluated: 2023-12-27. Review status: criteria provided, single submitter. Criteria: Ambry Variant Classification Scheme 2023. Collection method: clinical testing. Allele origin: germline.

Fulgent Genetics
Classification: Uncertain significance for Blau syndrome; Inflammatory bowel disease 1; Yao syndrome. Last evaluated: 2021-10-08. Review status: criteria provided, single submitter. Criteria: ACMG Guidelines, 2015. Collection method: clinical testing. Allele origin: unknown.